The following is an entry in ClinVar:

ClinVar aggregate classification (germline): Uncertain significance (1 of 4 stars; one submission).

Conditions:
Facioscapulohumeral muscular dystrophy 2 (FSHD2). Also called: MUSCULAR DYSTROPHY, FACIOSCAPULOHUMERAL, TYPE 1B; FACIOSCAPULOHUMERAL MUSCULAR DYSTROPHY 2, DIGENIC; FSHD2, DIGENIC. Identifiers: Orphanet 269, MedGen C1834671, MONDO:0008031, OMIM 158901.

gnomAD v4.1: 10 of 1,605,294 alleles (0.00062%); highest among the groups gnomAD compares: Non-Finnish European, 0.00077%; no homozygotes.

Submission:

Labcorp Genetics (formerly Invitae), Labcorp
Classification: Uncertain significance for Facioscapulohumeral muscular dystrophy 2. Last evaluated: 2025-10-26. Review status: criteria provided, single submitter. Criteria: Invitae Variant Classification Sherloc (09022015). Collection method: clinical testing. Allele origin: germline.
Comment: This sequence change replaces phenylalanine, which is neutral and non-polar, with leucine, which is neutral and non-polar, at codon 1381 of the SMCHD1 protein (p.Phe1381Leu). The frequency data for this variant in the population databases is considered unreliable, as metrics indicate poor data quality at this position in the gnomAD database. This variant has not been reported in the literature in individuals affected with SMCHD1-related conditions. Invitae Evidence Modeling of protein sequence and biophysical properties (such as structural, functional, and spatial information, amino acid conservation, physicochemical variation, residue mobility, and thermodynamic stability) indicates that this missense variant is not expected to disrupt SMCHD1 protein function with a negative predictive value of 80%. In summary, the available evidence is currently insufficient to determine the role of this variant in disease. Therefore, it has been classified as a Variant of Uncertain Significance.

NM_015295.3(SMCHD1):c.4143C>G (p.Phe1381Leu)

Gene: SMCHD1 (structural maintenance of chromosomes flexible hinge domain containing 1; plus strand). Cytogenetic location: 18p11.32.
Variant type: single nucleotide variant.
Coding change: c.4143C>G on transcript NM_015295.3 (MANE Select); coding-DNA position 4143, C replaced by G.
Protein change: p.Phe1381Leu; replaces phenylalanine 1381 with leucine.
Molecular consequence: missense variant.
Genome position (GRCh38, 1-based): chr18:2,750,485, C>G. VCF-style: chr18-2750485-C-G. GRCh37 (hg19) VCF-style: chr18-2750483-C-G.
Other names: short protein forms F1381L.
Identifiers: ClinVar variation 4742183 (VCV004742183.1).